The following is an entry in ClinVar:

NM_006662.3(SRCAP):c.2531A>T (p.Asp844Val)

Gene: SRCAP (Snf2 related CREBBP activator protein; plus strand). Cytogenetic location: 16p11.2.
Variant type: single nucleotide variant.
Coding change: c.2531A>T on transcript NM_006662.3 (MANE Select); coding-DNA position 2531, A replaced by T.
Protein change: p.Asp844Val; replaces aspartic acid 844 with valine.
Molecular consequence: missense variant.
Genome position (GRCh38, 1-based): chr16:30,716,103, A>T. VCF-style: chr16-30716103-A-T. GRCh37 (hg19) VCF-style: chr16-30727424-A-T.
Other names: short protein forms D844V.
Identifiers: ClinVar variation 4539923 (VCV004539923.1).

ClinVar aggregate classification (germline): Uncertain significance (1 of 4 stars; one submission).

Submission:

GeneDx
Classification: Uncertain significance. Last evaluated: 2025-06-27. Review status: criteria provided, single submitter. Criteria: GeneDx Variant Classification Process June 2021. Collection method: clinical testing. Allele origin: germline. Affected: yes.
Comment: Not observed at significant frequency in large population cohorts (gnomAD); In silico analysis supports that this missense variant has a deleterious effect on protein structure/function; Has not been previously published as pathogenic or benign to our knowledge